The following is an entry in ClinVar:

ClinVar aggregate classification (germline): Likely benign. Review status: criteria provided, multiple submitters, no conflicts (2 of 4 stars). 2 submissions from 2 submitters: Likely benign (2). Last evaluated 2026-06-01.

gnomAD v4.1: 3,400 of 1,613,642 alleles (0.21%); highest among the groups gnomAD compares: Middle Eastern, 0.33%; 6 homozygotes.

Submissions (2):

CeGaT Center for Human Genetics Tuebingen
Classification: Likely benign. Last evaluated: 2026-06-01. Review status: criteria provided, single submitter. Criteria: CeGaT Center For Human Genetics Tuebingen Variant Classification Criteria Version 2. Collection method: clinical testing. Allele origin: germline. Affected: yes. Observed: 12 variant alleles.
Comment: CDC42BPB: BP4, BP7

Blueprint Genetics
Classification: Likely benign. Last evaluated: 2024-11-27. Review status: criteria provided, single submitter. Criteria: ACMG Guidelines, 2015. Collection method: clinical testing. Allele origin: germline.

NM_006035.4(CDC42BPB):c.3360C>T (p.Val1120=)

Gene: CDC42BPB (CDC42 binding protein kinase beta; minus strand). Cytogenetic location: 14q32.32.
Variant type: single nucleotide variant.
Coding change: c.3360C>T on transcript NM_006035.4 (MANE Select); coding-DNA position 3360, C replaced by T.
Protein change: p.Val1120=; no amino-acid change (valine 1120 retained).
Molecular consequence: synonymous variant.
Genome position (GRCh38, 1-based): chr14:102,949,854, G>A on the plus strand (C>T on the coding strand, the complement: CDC42BPB is on the minus strand). VCF-style: chr14-102949854-G-A. GRCh37 (hg19) VCF-style: chr14-103416191-G-A.
Other names: c.3282C>T, p.Val1094= (NM_001411054.1).
Identifiers: ClinVar variation 3770500 (VCV003770500.14).